The following is an entry in ClinVar:

NM_006231.4(POLE):c.6228C>T (p.Gly2076=)

Gene: POLE (DNA polymerase epsilon, catalytic subunit; minus strand). Cytogenetic location: 12q24.33.
Variant type: single nucleotide variant.
Coding change: c.6228C>T on transcript NM_006231.4 (MANE Select); coding-DNA position 6228, C replaced by T.
Protein change: p.Gly2076=; no amino-acid change (glycine 2076 retained).
Molecular consequence: synonymous variant.
Genome position (GRCh38, 1-based): chr12:132,632,417, G>A on the plus strand (C>T on the coding strand, the complement: POLE is on the minus strand). VCF-style: chr12-132632417-G-A. GRCh37 (hg19) VCF-style: chr12-133209003-G-A.
Identifiers: ClinVar variation 1121973 (VCV001121973.25), dbSNP rs1220578455, ClinGen allele CA482848739.

ClinVar aggregate classification (germline): Likely benign. Review status: criteria provided, multiple submitters, no conflicts (2 of 4 stars). 3 submissions from 3 submitters: Likely benign (3). Last evaluated 2024-11-01.

Conditions:
Hereditary cancer-predisposing syndrome. Also called: Tumor predisposition; Hereditary neoplastic syndrome; Hereditary Cancer Syndrome; Neoplastic Syndromes, Hereditary. Identifiers: Orphanet 140162, MedGen C0027672, MeSH D009386, MONDO:0015356.

Allele frequency attached by ClinVar (database versions not stated): gnomAD exomes below 0.00001; gnomAD 0.00001; TOPMed 0.00001.
gnomAD v4.1: 2 of 1,613,744 alleles (0.00012%); highest among the groups gnomAD compares: South Asian, 0.0011%; no homozygotes.

Submissions (3):

CeGaT Center for Human Genetics Tuebingen
Classification: Likely benign. Last evaluated: 2024-11-01. Review status: criteria provided, single submitter. Criteria: CeGaT Center For Human Genetics Tuebingen Variant Classification Criteria Version 2. Collection method: clinical testing. Allele origin: germline. Affected: yes. Observed: 1 variant allele.
Comment: POLE: BP4, BP7

Labcorp Genetics (formerly Invitae), Labcorp
Classification: Likely benign. Last evaluated: 2023-09-12. Review status: criteria provided, single submitter. Criteria: Invitae Variant Classification Sherloc (09022015). Collection method: clinical testing. Allele origin: germline.

Ambry Genetics
Classification: Likely benign for Hereditary cancer-predisposing syndrome. Last evaluated: 2018-08-15. Review status: criteria provided, single submitter. Criteria: Ambry Variant Classification Scheme 2023. Collection method: clinical testing. Allele origin: germline.